The following is an entry in ClinVar:

NM_024649.5(BBS1):c.803G>A (p.Arg268His)

Genes: BBS1 (Bardet-Biedl syndrome 1; plus strand), ZDHHC24 (zDHHC palmitoyltransferase 24; minus strand). Cytogenetic location: 11q13.2.
Variant type: single nucleotide variant.
Coding change: c.803G>A on transcript NM_024649.5 (MANE Select); coding-DNA position 803, G replaced by A.
Protein change: p.Arg268His; replaces arginine 268 with histidine.
Molecular consequence: missense variant. On other transcripts: 3 prime UTR variant (1).
Genome position (GRCh38, 1-based): chr11:66,521,349, G>A. VCF-style: chr11-66521349-G-A. GRCh37 (hg19) VCF-style: chr11-66288820-G-A.
Other names: c.*139C>T (NM_001348571.2); short protein forms R268H.
Identifiers: ClinVar variation 288064 (VCV000288064.13), dbSNP rs375949076, ClinGen allele CA6123501.

ClinVar aggregate classification (germline): Uncertain significance. Review status: criteria provided, multiple submitters, no conflicts (2 of 4 stars). 4 submissions from 4 submitters: Uncertain significance (4). Last evaluated 2025-08-06.

Conditions:
BBS1-related disorder. Also called: BBS1-related condition.
Bardet-Biedl syndrome 1 (BBS1). Identifiers: MedGen C2936862, MONDO:0008854, OMIM 209900. Disease mechanism: loss of function.

Allele frequency attached by ClinVar (database versions not stated): gnomAD 0.00001; TOPMed 0.00001; gnomAD exomes 0.00002; ESP Exome Variant Server 0.00008; ExAC 0.00002.
gnomAD v4.1: 29 of 1,614,064 alleles (0.0018%); highest among the groups gnomAD compares: East Asian, 0.0022%; no homozygotes.

Submissions (4):

PreventionGenetics, part of Exact Sciences
Classification: Uncertain significance for BBS1-related condition. Last evaluated: 2025-08-06. Review status: criteria provided, single submitter. Criteria: ACMG Guidelines, 2015. Collection method: clinical testing. Allele origin: germline.
Comment: The BBS1 c.803G>A variant is predicted to result in the amino acid substitution p.Arg268His. To our knowledge, this variant has not been reported in the literature. Of note, another amino acid change at this position (p.Arg268Pro) has been reported in an individual with Bardet-Biedl syndrome (Estrada-Cuzcano et al. 2012. PubMed ID: 23143442). This variant is reported in 0.0044% of alleles in individuals of European (Non-Finnish) descent in gnomAD. At this time, the clinical significance of this variant is uncertain due to the absence of conclusive functional and genetic evidence.

Genetic Services Laboratory, University of Chicago
Classification: Uncertain significance. Last evaluated: 2021-06-21. Review status: criteria provided, single submitter. Criteria: ACMG Guidelines, 2015. Collection method: clinical testing. Allele origin: germline. Affected: no.

Illumina Laboratory Services, Illumina
Classification: Uncertain significance for Bardet-Biedl syndrome 1. Last evaluated: 2018-01-13. Review status: criteria provided, single submitter. Criteria: ICSL Variant Classification Criteria 13 December 2019. Collection method: clinical testing. Allele origin: germline.

Eurofins Ntd Llc (ga)
Classification: Uncertain significance. Last evaluated: 2016-06-07. Review status: criteria provided, single submitter. Criteria: EGL Classification Definitions 2015. Collection method: clinical testing. Allele origin: germline. Observed: 1 variant allele, 1 heterozygote.